The following is an entry in ClinVar:

NM_005585.5(SMAD6):c.1268G>A (p.Arg423His)

Gene: SMAD6 (SMAD family member 6; plus strand). Cytogenetic location: 15q22.31.
Variant type: single nucleotide variant.
Coding change: c.1268G>A on transcript NM_005585.5 (MANE Select); coding-DNA position 1268, G replaced by A.
Protein change: p.Arg423His; replaces arginine 423 with histidine.
Molecular consequence: missense variant. On other transcripts: non-coding transcript variant (1).
Genome position (GRCh38, 1-based): chr15:66,781,312, G>A. VCF-style: chr15-66781312-G-A. GRCh37 (hg19) VCF-style: chr15-67073650-G-A.
Other names: short protein forms R423H.
Identifiers: ClinVar variation 1764646 (VCV001764646.2), dbSNP rs760686075, ClinGen allele CA7626773.

ClinVar aggregate classification (germline): Uncertain significance (1 of 4 stars; one submission).

Conditions:
Inborn genetic diseases. Identifiers: MedGen C0950123, MeSH D030342.

Allele frequency attached by ClinVar (database versions not stated): ExAC 0.00002.
gnomAD v4.1: 6 of 1,600,730 alleles (0.00037%); highest among the groups gnomAD compares: Middle Eastern, 0.017%; no homozygotes.

Submission:

Ambry Genetics
Classification: Uncertain significance for Inborn genetic diseases. Last evaluated: 2022-04-03. Review status: criteria provided, single submitter. Criteria: Ambry Variant Classification Scheme 2023. Collection method: clinical testing. Allele origin: germline.
Comment: The p.R423H variant (also known as c.1268G>A), located in coding exon 4 of the SMAD6 gene, results from a G to A substitution at nucleotide position 1268. The arginine at codon 423 is replaced by histidine, an amino acid with highly similar properties. This amino acid position is conserved. In addition, this alteration is predicted to be deleterious by in silico analysis. Since supporting evidence is limited at this time, the clinical significance of this alteration remains unclear.